The following is an entry in ClinVar:

ClinVar aggregate classification (germline): Benign/Likely benign. Review status: criteria provided, multiple submitters, no conflicts (2 of 4 stars). 3 submissions from 3 submitters: Benign (1); Likely benign (2). Last evaluated 2024-07-25.

Conditions:
Hereditary cancer-predisposing syndrome. Also called: Tumor predisposition; Hereditary neoplastic syndrome; Neoplastic Syndromes, Hereditary; Hereditary Cancer Syndrome. Identifiers: Orphanet 140162, MedGen C0027672, MeSH D009386, MONDO:0015356.
Familial cancer of breast. Also called: BREAST CANCER, FAMILIAL; hereditary breast carcinoma; Hereditary breast cancer. Identifiers: Orphanet 227535, MedGen C0346153, MONDO:0016419, OMIM 114480. Disease mechanism: loss of function.

Allele frequency attached by ClinVar (database versions not stated): gnomAD exomes below 0.00001; TOPMed below 0.00001.
gnomAD v4.1: 1 of 1,614,094 alleles (0.000062%); highest among the groups gnomAD compares: Non-Finnish European, 0.000085%; no homozygotes.

Submissions (3):

Myriad Genetics, Inc.
Classification: Benign for Familial cancer of breast. Last evaluated: 2024-07-25. Review status: criteria provided, single submitter. Criteria: Myriad Autosomal Dominant, Autosomal Recessive and X-Linked Classification Criteria (2023). Collection method: clinical testing. Allele origin: unknown.
Comment: This variant is considered benign. This variant is a silent/synonymous amino acid change and it is not expected to impact splicing.

Labcorp Genetics (formerly Invitae), Labcorp
Classification: Likely benign for Familial cancer of breast. Last evaluated: 2023-12-19. Review status: criteria provided, single submitter. Criteria: Invitae Variant Classification Sherloc (09022015). Collection method: clinical testing. Allele origin: germline.

Ambry Genetics
Classification: Likely benign for Hereditary cancer-predisposing syndrome. Last evaluated: 2019-06-29. Review status: criteria provided, single submitter. Criteria: Ambry Variant Classification Scheme 2023. Collection method: clinical testing. Allele origin: germline.

NM_000465.4(BARD1):c.1455A>G (p.Ala485=)

Gene: BARD1 (BRCA1 associated RING domain 1; minus strand). Cytogenetic location: 2q35.
Variant type: single nucleotide variant.
Coding change: c.1455A>G on transcript NM_000465.4 (MANE Select); coding-DNA position 1455, A replaced by G.
Protein change: p.Ala485=; no amino-acid change (alanine 485 retained).
Molecular consequence: synonymous variant. On other transcripts: non-coding transcript variant (3), intron variant (3).
Genome position (GRCh38, 1-based): chr2:214,767,595, T>C on the plus strand (A>G on the coding strand, the complement: BARD1 is on the minus strand). VCF-style: chr2-214767595-T-C. GRCh37 (hg19) VCF-style: chr2-215632319-T-C.
Other names: c.1398A>G, p.Ala466= (NM_001282543.2); c.159-15040A>G (NM_001282548.2); c.216-15040A>G (NM_001282545.2); c.364+24702A>G (NM_001282549.2).
Identifiers: ClinVar variation 747047 (VCV000747047.13), dbSNP rs1553619298, ClinGen allele CA431129597.